The following is an entry in ClinVar:

ClinVar aggregate classification (germline): Pathogenic (1 of 4 stars; one submission).

Submission:

Labcorp Genetics (formerly Invitae), Labcorp
Classification: Pathogenic. Last evaluated: 2025-02-03. Review status: criteria provided, single submitter. Criteria: Invitae Variant Classification Sherloc (09022015). Collection method: clinical testing. Allele origin: germline.
Comment: This sequence change creates a premature translational stop signal (p.Asn181Lysfs*45) in the LTBP2 gene. It is expected to result in an absent or disrupted protein product. Loss-of-function variants in LTBP2 are known to be pathogenic (PMID: 19361779, 19656777, 22025892). This variant is not present in population databases (gnomAD no frequency). This variant has not been reported in the literature in individuals affected with LTBP2-related conditions. For these reasons, this variant has been classified as Pathogenic.

Literature cited by the submitters: PubMed 19361779; PubMed 19656777; PubMed 22025892.

NM_000428.3(LTBP2):c.542dup (p.Asn181fs)

Gene: LTBP2 (latent transforming growth factor beta binding protein 2; minus strand). Cytogenetic location: 14q24.3.
Variant type: Duplication.
Coding change: c.542dup on transcript NM_000428.3 (MANE Select); coding-DNA position 542, one base duplicated (A; older notation c.542dupA).
Protein change: p.Asn181fs; shifts the reading frame from asparagine 181.
Molecular consequence: frameshift variant.
Genome position (GRCh38, 1-based): chr14:74,603,658, T duplicated on the plus strand (A on the coding strand, the reverse complement: LTBP2 is on the minus strand); the first of 3 consecutive T bases (chr14:74,603,658-74,603,660); duplicating any one gives the same sequence. VCF-style (leftmost placement, unchanged base first): chr14-74603657-G-GT. GRCh37 (hg19) VCF-style: chr14-75070360-G-GT.
Other names: short protein forms N181fs.
Identifiers: ClinVar variation 4808634 (VCV004808634.1).